The following is an entry in ClinVar:

ClinVar aggregate classification (germline): Uncertain significance (1 of 4 stars; one submission).

Conditions:
Autosomal dominant hypocalcemia 1 (HYPOC1). Also called: HYPOCALCEMIA, FAMILIAL. Identifiers: MedGen C3715128, MONDO:0011013, OMIM 601198.
Familial hypocalciuric hypercalcemia (FHH). Also called: Familial benign hypercalcemia. Identifiers: Orphanet 405, MedGen C1809471, MONDO:0018458.

Submission:

Labcorp Genetics (formerly Invitae), Labcorp
Classification: Uncertain significance for Familial hypocalciuric hypercalcemia; Autosomal dominant hypocalcemia 1. Last evaluated: 2025-02-04. Review status: criteria provided, single submitter. Criteria: Invitae Variant Classification Sherloc (09022015). Collection method: clinical testing. Allele origin: germline.
Comment: This sequence change replaces valine, which is neutral and non-polar, with alanine, which is neutral and non-polar, at codon 337 of the CASR protein (p.Val337Ala). This variant is not present in population databases (gnomAD no frequency). This variant has not been reported in the literature in individuals affected with CASR-related conditions. ClinVar contains an entry for this variant (Variation ID: 1053881). An algorithm developed to predict the effect of missense changes on protein structure and function (PolyPhen-2) suggests that this variant is likely to be disruptive. In summary, the available evidence is currently insufficient to determine the role of this variant in disease. Therefore, it has been classified as a Variant of Uncertain Significance.

NM_000388.4(CASR):c.1010T>C (p.Val337Ala)

Gene: CASR (calcium sensing receptor; plus strand). Cytogenetic location: 3q21.1.
Variant type: single nucleotide variant.
Coding change: c.1010T>C on transcript NM_000388.4 (MANE Select); coding-DNA position 1010, T replaced by C.
Protein change: p.Val337Ala; replaces valine 337 with alanine.
Molecular consequence: missense variant.
Genome position (GRCh38, 1-based): chr3:122,262,045, T>C. VCF-style: chr3-122262045-T-C. GRCh37 (hg19) VCF-style: chr3-121980892-T-C.
Other names: c.1010T>C, p.Val337Ala (NM_001178065.2); short protein forms V337A.
Identifiers: ClinVar variation 1053881 (VCV001053881.9), dbSNP rs2107632701, ClinGen allele CA354152102.